The following is an entry in ClinVar:

NM_014396.4(VPS41):c.640C>T (p.Arg214Cys)

Gene: VPS41 (VPS41 subunit of HOPS complex; minus strand). Cytogenetic location: 7p14.1.
Variant type: single nucleotide variant.
Coding change: c.640C>T on transcript NM_014396.4 (MANE Select); coding-DNA position 640, C replaced by T.
Protein change: p.Arg214Cys; replaces arginine 214 with cysteine.
Molecular consequence: missense variant.
Genome position (GRCh38, 1-based): chr7:38,795,542, G>A on the plus strand (C>T on the coding strand, the complement: VPS41 is on the minus strand). VCF-style: chr7-38795542-G-A. GRCh37 (hg19) VCF-style: chr7-38835142-G-A.
Other names: c.565C>T, p.Arg189Cys (NM_080631.4); short protein forms R189C, R214C.
Identifiers: ClinVar variation 3776362 (VCV003776362.1).
Genomic context (GRCh38, chr7:38,795,542, plus strand): 5'-AGCCAATAATCAGTGTCACATTGTCCTTCCAGCAGAGGCTGCAGGGATACATGTCTGGGC[G>A]AAGACTTATATCATCCCGGGGCACATTGGTGATTCTTTGCTTTGAGATGATGTCAAAAAT-3'
Protein context (NP_055211.2, residues 204-224): TNVPRDDISL[Arg214Cys]PDMYPCSLCW

ClinVar aggregate classification (germline): Uncertain significance (1 of 4 stars; one submission).

gnomAD v4.1: 49 of 1,613,416 alleles (0.003%); highest among the groups gnomAD compares: Non-Finnish European, 0.0027%; no homozygotes.

Submission:

GeneDx
Classification: Uncertain significance. Last evaluated: 2024-10-04. Review status: criteria provided, single submitter. Criteria: GeneDx Variant Classification Process June 2021. Collection method: clinical testing. Allele origin: germline. Affected: yes.
Comment: Has not been previously published as pathogenic or benign to our knowledge; In silico analysis supports that this missense variant has a deleterious effect on protein structure/function